The following is an entry in ClinVar:

ClinVar aggregate classification (germline): Uncertain significance (1 of 4 stars; one submission).

Submission:

Athena Diagnostics
Classification: Uncertain significance. Last evaluated: 2025-10-03. Review status: criteria provided, single submitter. Criteria: Athena Diagnostics Criteria. Collection method: clinical testing. Allele origin: unknown.
Comment: Available data are insufficient to determine the clinical significance of the variant at this time. This variant has been identified in at least one individual with clinical features associated with this gene. Computational tools yielded predictions that this variant may interfere with normal RNA splicing. Frequency data for this variant in the general population cannot be distinguished from that of the SMN2 gene, and is therefore uninformative in assessment of variant pathogenicity (Genome Aggregation Database (gnomAD), Cambridge, MA (URL)).

NM_000344.4(SMN1):c.*3+5G>C

Gene: SMN1 (survival of motor neuron 1, telomeric). Cytogenetic location: 5q13.2.
Variant type: single nucleotide variant.
Coding change: c.*3+5G>C on transcript NM_000344.4 (MANE Select); 5 bases into the intron after 3 bases downstream of the stop codon, G replaced by C.
Molecular consequence: intron variant.
Genome position (GRCh38, 1-based): chr5:70,951,999, G>C. VCF-style: chr5-70951999-G-C. GRCh37 (hg19) VCF-style: chr5-70247826-G-C.
Other names: c.835-440G>C (NM_001297715.1); c.*3+5G>C (NM_022874.2).
Identifiers: ClinVar variation 4682302 (VCV004682302.1).
Genomic context (GRCh38, chr5:70,951,999, plus strand): 5'-AGGGTTTCAGACAAAATCAAAAAGAAGGAAGGTGCTCACATTCCTTAAATTAAGGAGTAA[G>C]TCTGCCAGCATTATGAAAGTGAATCTTACTTTTGTAAAACTTTATGGTTTGTGGAAAACA-3'